The following is an entry in ClinVar:

ClinVar aggregate classification (germline): Pathogenic (1 of 4 stars; one submission).

Conditions:
Familial hypobetalipoproteinemia 1. Also called: APOB-Related Familial Hypobetalipoproteinemia; Hypobetalipoproteinemia, normotriglyceridemic; Acanthocytosis with hypobetalipoproteinemia. Identifiers: MedGen C4551990, MONDO:0014252, OMIM 615558.
Hypercholesterolemia, autosomal dominant, type B (FHCL2). Also called: APOB-Related Familial Hypercholesterolemia, Autosomal Dominant; Familial hypercholesterolemia 2; Familial Hypercholesterolemia Type B; APOLIPOPROTEIN B-100, FAMILIAL DEFECTIVE; APOLIPOPROTEIN B-100, FAMILIAL LIGAND-DEFECTIVE; HYPERCHOLESTEROLEMIA, FAMILIAL, DUE TO LIGAND-DEFECTIVE APOLIPOPROTEIN B. Identifiers: MedGen C1704417, MONDO:0007751, OMIM 144010.

Submission:

Labcorp Genetics (formerly Invitae), Labcorp
Classification: Pathogenic for Familial hypobetalipoproteinemia 1; Hypercholesterolemia, autosomal dominant, type B. Last evaluated: 2025-05-25. Review status: criteria provided, single submitter. Criteria: Invitae Variant Classification Sherloc (09022015). Collection method: clinical testing. Allele origin: germline.
Comment: This sequence change creates a premature translational stop signal (p.Asp998Thrfs*4) in the APOB gene. It is expected to result in an absent or disrupted protein product. Loss-of-function variants in APOB are known to be pathogenic (PMID: 20032471). This variant is not present in population databases (gnomAD no frequency). This variant has not been reported in the literature in individuals affected with APOB-related conditions. For these reasons, this variant has been classified as Pathogenic.

Literature cited by the submitters: PubMed 20032471.

NM_000384.3(APOB):c.2992del (p.Asp998fs)

Gene: APOB (apolipoprotein B; minus strand). Cytogenetic location: 2p24.1.
Variant type: Deletion.
Coding change: c.2992del on transcript NM_000384.3 (MANE Select); coding-DNA position 2992, one base deleted (G; older notation c.2992delG).
Protein change: p.Asp998fs; shifts the reading frame from aspartic acid 998.
Molecular consequence: frameshift variant.
Genome position (GRCh38, 1-based): chr2:21,019,730, C deleted on the plus strand (G on the coding strand, the reverse complement: APOB is on the minus strand); the first of 4 consecutive C bases (chr2:21,019,730-21,019,733); deleting any one gives the same sequence. VCF-style (leftmost placement, unchanged base first): chr2-21019729-TC-T. GRCh37 (hg19) VCF-style: chr2-21242601-TC-T.
Other names: short protein forms D998fs.
Identifiers: ClinVar variation 4785096 (VCV004785096.1).